The following is an entry in ClinVar:

ClinVar aggregate classification (germline): Pathogenic. Review status: reviewed by expert panel (3 of 4 stars). 42 submissions from 39 submitters: Pathogenic (1). 41 of the submissions do not count toward it. Last evaluated 2023-04-05.

Conditions:
Hereditary cancer-predisposing syndrome. Also called: Neoplastic Syndromes, Hereditary; Tumor predisposition; Hereditary Cancer Syndrome; Hereditary neoplastic syndrome. Identifiers: Orphanet 140162, MedGen C0027672, MeSH D009386, MONDO:0015356.
Breast-ovarian cancer, familial, susceptibility to, 5 (BROVCA5). Identifiers: MedGen C5830615, MONDO:0957530, OMIM 620442.
Fanconi anemia complementation group N. Also called: PALB2-Related Fanconi Anemia. Identifiers: Orphanet 84, MedGen C1835817, MONDO:0012565, OMIM 610832. Disease mechanism: loss of function.
Pancreatic cancer, susceptibility to, 3. Identifiers: Orphanet 1333, MedGen C3150547, MONDO:0013236, OMIM 613348.
Inherited ovarian cancer (without breast cancer).
PALB2-related disorder. Also called: PALB2-related disorders; PALB2-related condition.
autosomal dominant PALB2-related cancer predisposition.
Fetal anomalies with a likely genetic cause.
PALB2-related cancer predisposition. Identifiers: MedGen CN377761, MONDO:0700272.
Inherited breast cancer and ovarian cancer.
NICE approved PARP inhibitor treatment.
Malignant tumor of breast. Also called: Cancer breast; Malignant breast neoplasm. Identifiers: MedGen C0006142, MONDO:0007254. Disease mechanism: loss of function.
Familial cancer of breast. Also called: hereditary breast carcinoma; Hereditary breast cancer; BREAST CANCER, FAMILIAL. Identifiers: Orphanet 227535, MedGen C0346153, MONDO:0016419, OMIM 114480. Disease mechanism: loss of function.
Breast and/or ovarian cancer. Identifiers: MedGen CN221562.
Hereditary breast ovarian cancer syndrome. Also called: BRCA1- and BRCA2-Associated Hereditary Breast and Ovarian Cancer; Hereditary breast and ovarian cancer; Hereditary breast and ovarian cancer syndrome; Hereditary breast and ovarian cancer syndrome (HBOC); Breast and ovarian cancer; Hereditary breast and/or ovarian cancer syndrome. Identifiers: Orphanet 145, MedGen C0677776, MeSH D061325, MONDO:0003582. Disease mechanism: loss of function.

Allele frequency attached by ClinVar (database versions not stated): ExAC 0.00002; gnomAD 0.00002; TOPMed 0.00002; gnomAD exomes 0.00006 and 0.00024.

Submissions 1 to 9 of 43:

ClinGen Hereditary Breast, Ovarian and Pancreatic Cancer Variant Curation Expert Panel, ClinGen
Classification: Pathogenic for PALB2-related cancer predisposition. Last evaluated: 2023-04-05. Review status: reviewed by expert panel. Criteria: ClinGen HBOP VCEP ACMG Specifications PALB2 V1.0.0. Collection method: curation. Allele origin: germline. Inheritance: Autosomal dominant inheritance.
Comment: The c.3113G>A (p.Trp1038Ter) variant in PALB2 occurs at the last nucleotide of exon 10. It is predicted to cause skipping of biologically-relevant exon 10, as well as partial deletion of exon 10, resulting in a frameshift leading to nonsense mediated decay in a gene in which loss-of-function is an established disease mechanism. This prediction is confirmed by RT-PCR analysis (PMID: 21285249, 23448497). This alteration results in a termination codon upstream of the most C-terminus pathogenic alteration (PALB2 p.Tyr1183*), as classified by the HBOP VCEP, and is expected to be more deleterious. This variant is non-functional in multiple different protein assays (PMID 31757951); however due to a lack of positive missense controls with known clinical impact, these protein assays do not meet the requirements for use by the HBOP VCEP. The prevalence of the variant in affected individuals is significantly increased compared with the prevalence in controls [OR=4.21, 95% CI:1.84 - 9.60] (PMID: 27595995). The highest population filtering allele frequency in gnomAD v2.1.1 is 0.00006665 in the European (Non-Finnish) population (PM2_Supporting, BS1, and BA1 are not met). In summary, this variant meets criteria to be classified as pathogenic for autosomal dominant hereditary breast and pancreatic cancer and autosomal recessive FANCN based on the ACMG/AMP criteria applied, as specified by the HBOP VCEP. (PVS1(RNA), PS4, PM5_Supporting).

Genetics Laboratory, Great Ormond Street Hospital NHS Foundation Trust, North Thames Genomic Laboratory Hub
Classification: Pathogenic for Inherited breast cancer and ovarian cancer. Last evaluated: 2026-07-06. Review status: criteria provided, single submitter. Criteria: CanVIG PALB2 Gene Specific V1.2. Collection method: clinical testing. Allele origin: germline. Affected: yes. Not counted in ClinVar's aggregate classification.
Comment: PS4_strong, PVS1_very-strong, PM5_supporting, PP1_strong

Genetics Laboratory, Great Ormond Street Hospital NHS Foundation Trust, North Thames Genomic Laboratory Hub
Classification: Pathogenic for Fetal anomalies with a likely genetic cause. Last evaluated: 2026-07-06. Review status: criteria provided, single submitter. Criteria: CanVIG PALB2 Gene Specific V1.2. Collection method: clinical testing. Allele origin: germline. Affected: yes. Not counted in ClinVar's aggregate classification.
Comment: the same text as in the submission from Genetics Laboratory, Great Ormond Street Hospital NHS Foundation Trust, North Thames Genomic Laboratory Hub above.

Labcorp Genetics (formerly Invitae), Labcorp
Classification: Pathogenic for Familial cancer of breast. Last evaluated: 2026-02-01. Review status: criteria provided, single submitter. Criteria: Invitae Variant Classification Sherloc (09022015). Collection method: clinical testing. Allele origin: germline. Not counted in ClinVar's aggregate classification.
Comment: This sequence change creates a premature translational stop signal (p.Trp1038*) in the PALB2 gene. RNA analysis indicates that this premature translational stop signal induces altered splicing and may result in an absent or altered protein product. This variant is present in population databases (rs180177132, gnomAD 0.01%). This premature translational stop signal has been observed in individual(s) with breast cancer (PMID: 17200668, 21182766, 21285249, 23471749). It has also been observed to segregate with disease in related individuals. ClinVar contains an entry for this variant (Variation ID: 126711). Studies have shown that this premature translational stop signal results in activation of a cryptic splice site, and produces a non-functional protein and/or introduces a premature termination codon (internal data). For these reasons, this variant has been classified as Pathogenic.

PreventionGenetics, part of Exact Sciences
Classification: Pathogenic for PALB2-related condition. Last evaluated: 2026-01-14. Review status: criteria provided, single submitter. Criteria: ACMG Guidelines, 2015. Collection method: clinical testing. Allele origin: germline. Not counted in ClinVar's aggregate classification.
Comment: The PALB2 c.3113G>A variant is predicted to result in premature protein termination (p.Trp1038*). This variant has been reported in multiple individuals with a personal and/or family history of breast cancer (Rahman et al. 2007. PubMed ID: 17200668; Southey et al. 2010. PubMed ID: 21182766; Teo et al. 2013. PubMed ID: 23448497; Teo et al. 2013. PubMed ID: 23471749; Hartley et al. 2014. PubMed ID: 25225577). Functional studies showed that this variant alters splicing and results in three different mRNA transcripts (Casadei et al. 2011. PubMed ID: 21285249). This variant is reported in 0.012% of alleles in individuals of African descent in gnomAD and is interpreted as pathogenic in ClinVar by the ClinGen Hereditary Breast, Ovarian and Pancreatic Cancer Variant Curation Expert Panel (Variation ID: 126711). Nonsense variants in PALB2 are expected to be pathogenic. This variant is interpreted as pathogenic.

Center for Genomic Medicine, Rigshospitalet, Copenhagen University Hospital
Classification: Pathogenic. Last evaluated: 2025-12-29. Review status: criteria provided, single submitter. Criteria: ACMG Guidelines, 2015. Collection method: clinical testing. Allele origin: germline. Not counted in ClinVar's aggregate classification.
Comment: Classification criteria: PVS1,\nPS4, PM5_supporting

Cambridge Genomics Laboratory, East Genomic Laboratory Hub, NHS Genomic Medicine Service
Classification: Pathogenic for Inherited breast cancer and ovarian cancer. Last evaluated: 2025-11-11. Review status: criteria provided, single submitter. Criteria: ACGS Best Practice Guidelines for Variant Classification in Rare Disease 2020. Collection method: clinical testing. Allele origin: germline. Affected: yes. Not counted in ClinVar's aggregate classification.
Comment: PVS1_Strong,PS4,PP1_Strong

Ambry Genetics
Classification: Pathogenic for Hereditary cancer-predisposing syndrome. Last evaluated: 2025-10-29. Review status: criteria provided, single submitter. Criteria: Ambry Variant Classification Scheme 2023. Collection method: clinical testing. Allele origin: germline. Not counted in ClinVar's aggregate classification.
Comment: The c.3113G>A pathogenic mutation (also known as p.W1038*), located in coding exon 10 of the PALB2 gene, results from a G to A substitution at nucleotide position 3113. This changes the amino acid from a tryptophan to a stop codon within coding exon 10. This change occurs in the last base pair of coding exon 10, and has been shown to generate two aberrant mRNA isoforms: one with complete skipping of exon 10 (deletion of 117 bp), another which uses an alternative splice site within exon 10 (out-of-frame deletion of 31 bp) (Casadei S et al. Cancer Res. 2011 Mar;71:2222-9; Teo ZL et al. Breast Cancer Res. 2013 Feb;15:R17; Casadei S et al. Proc Natl Acad Sci U S A, 2019 Dec). This alteration is expected to result in loss of function by premature protein truncation or nonsense-mediated mRNA decay. As such, this alteration is interpreted as a disease-causing mutation.

Otogenetics
Classification: Pathogenic for Breast-ovarian cancer, familial, susceptibility to, 5; Hereditary cancer-predisposing syndrome; Pancreatic cancer, susceptibility to, 3; Fanconi anemia complementation group N. Last evaluated: 2025-10-13. Review status: criteria provided, single submitter. Criteria: ACMG Guidelines, 2015. Collection method: clinical testing. Allele origin: germline. Not counted in ClinVar's aggregate classification.
Comment: PVS1: Stop gain variant introduces premature stop codon in gene with loss of function as mechanism of disease, predicted to undergo NMD; PS4: Prevalence of the variant in affected individuals is significantly increased compared to the prevalence in controls (OR: 4.21, p-value:6.9x10^-8) (PMID: 27595995) PM5_Supporting: Frameshift variant causes premature stop codon upstream of p.Tyr1183 (PMID: 40967221)

NM_024675.4(PALB2):c.3113G>A (p.Trp1038Ter)

Gene: PALB2 (partner and localizer of BRCA2; minus strand). Cytogenetic location: 16p12.2.
Variant type: single nucleotide variant.
Coding change: c.3113G>A on transcript NM_024675.4 (MANE Select); coding-DNA position 3113, G replaced by A.
Protein change: p.Trp1038Ter; replaces tryptophan 1038 with a stop codon.
Molecular consequence: nonsense.
Genome position (GRCh38, 1-based): chr16:23,621,362, C>T on the plus strand (G>A on the coding strand, the complement: PALB2 is on the minus strand). VCF-style: chr16-23621362-C-T. GRCh37 (hg19) VCF-style: chr16-23632683-C-T.
Other names: PALB2, TRP1038TER (rs180177132); p.W1038*:TGG>TAG; NM_024675.3(PALB2):c.3113G>A; p.Trp1038Ter; NM_024675.4(PALB2):c.3113G>A; short protein forms W1038*.
Identifiers: ClinVar variation 126711 (VCV000126711.73), dbSNP rs180177132, ClinGen allele CA251004.